The following is an entry in ClinVar:

NM_139125.4(MASP1):c.1190G>A (p.Cys397Tyr)

Gene: MASP1 (MBL associated serine protease 1; minus strand). Cytogenetic location: 3q27.3.
Variant type: single nucleotide variant.
Coding change: c.1190G>A on transcript NM_139125.4 (MANE Select); coding-DNA position 1190, G replaced by A.
Protein change: p.Cys397Tyr; replaces cysteine 397 with tyrosine.
Molecular consequence: missense variant. On other transcripts: non-coding transcript variant (1).
Genome position (GRCh38, 1-based): chr3:187,243,522, C>T on the plus strand (G>A on the coding strand, the complement: MASP1 is on the minus strand). VCF-style: chr3-187243522-C-T. GRCh37 (hg19) VCF-style: chr3-186961310-C-T.
Other names: c.1190G>A, p.Cys397Tyr (NM_001879.6); short protein forms C397Y.
Identifiers: ClinVar variation 2575846 (VCV002575846.2), dbSNP rs1030219579, ClinGen allele CA89687763.
Genomic context (GRCh38, chr3:187,243,522, plus strand): 5'-TGGCTTAGCATGGATGGCTTACCTGTGTTATTGTTGAGCATCTTGTAATAGGGCTCCTGA[C>T]AGGAGTATTTGATCTCAGACTTGTATGTGGTGAGGTTGTTCCTTGTAGAGAAGGTGATCA-3'
Protein context (NP_624302.1, residues 387-407): TTYKSEIKYS[Cys397Tyr]QEPYYKMLNN

ClinVar aggregate classification (germline): Uncertain significance (1 of 4 stars; one submission).

Allele frequency attached by ClinVar (database versions not stated): TOPMed below 0.00001.
gnomAD v4.1: 4 of 1,614,116 alleles (0.00025%); highest among the groups gnomAD compares: Admixed American, 0.0017%; no homozygotes.

Submission:

GeneDx
Classification: Uncertain significance. Last evaluated: 2024-06-21. Review status: criteria provided, single submitter. Criteria: GeneDx Variant Classification Process June 2021. Collection method: clinical testing. Allele origin: germline. Affected: yes.
Comment: Not observed at significant frequency in large population cohorts (gnomAD); In silico analysis supports that this missense variant has a deleterious effect on protein structure/function; Has not been previously published as pathogenic or benign to our knowledge